The following is an entry in ClinVar:

NM_001673.5(ASNS):c.510C>T (p.Ser170=)

Genes: CZ1P-ASNS (CZ1P-ASNS readthrough; minus strand), ASNS (asparagine synthetase (glutamine-hydrolyzing); minus strand). Cytogenetic location: 7q21.3.
Variant type: single nucleotide variant.
Coding change: c.510C>T on transcript NM_001673.5 (MANE Select); coding-DNA position 510, C replaced by T.
Protein change: p.Ser170=; no amino-acid change (serine 170 retained).
Molecular consequence: synonymous variant. On other transcripts: non-coding transcript variant (1).
Genome position (GRCh38, 1-based): chr7:97,859,376, G>A on the plus strand (C>T on the coding strand, the complement: ASNS is on the minus strand). VCF-style: chr7-97859376-G-A. GRCh37 (hg19) VCF-style: chr7-97488688-G-A.
Other names: c.447C>T, p.Ser149= (NM_001178075.2); c.261C>T, p.Ser87= (NM_001178076.2, NM_001178077.1); c.510C>T, p.Ser170= (NM_001352496.2, NM_183356.4, NM_133436.3).
Identifiers: ClinVar variation 799073 (VCV000799073.13), dbSNP rs373164231, ClinGen allele CA4354754.

ClinVar aggregate classification (germline): Likely benign. Review status: criteria provided, multiple submitters, no conflicts (2 of 4 stars). 3 submissions from 3 submitters: Likely benign (2). 1 of the submissions does not count toward it. Last evaluated 2026-02-02.

Conditions:
ASNS-related disorder. Also called: ASNS-related condition.

Allele frequency attached by ClinVar (database versions not stated): gnomAD 0.00001; TOPMed 0.00001; ExAC 0.00004; gnomAD exomes 0.00004; ESP Exome Variant Server 0.00008.
gnomAD v4.1: 51 of 1,612,130 alleles (0.0032%); highest among the groups gnomAD compares: African/African-American, 0.004%; no homozygotes.

Submissions (3):

Labcorp Genetics (formerly Invitae), Labcorp
Classification: Likely benign. Last evaluated: 2026-02-02. Review status: criteria provided, single submitter. Criteria: Invitae Variant Classification Sherloc (09022015). Collection method: clinical testing. Allele origin: germline.

Blueprint Genetics
Classification: Likely benign. Last evaluated: 2022-04-28. Review status: criteria provided, single submitter. Criteria: ACMG Guidelines, 2015. Collection method: clinical testing. Allele origin: germline.

PreventionGenetics, part of Exact Sciences
Classification: Likely benign for ASNS-related condition. Last evaluated: 2019-05-03. Review status: no assertion criteria provided. Collection method: clinical testing. Allele origin: germline. Not counted in ClinVar's aggregate classification.
Comment: This variant is classified as likely benign based on ACMG/AMP sequence variant interpretation guidelines (Richards et al. 2015 PMID: 25741868, with internal and published modifications).